The following is an entry in ClinVar:

NM_001177316.2(SLC34A3):c.449-3C>T

Gene: SLC34A3 (solute carrier family 34 member 3; plus strand). Cytogenetic location: 9q34.3.
Variant type: single nucleotide variant.
Coding change: c.449-3C>T on transcript NM_001177316.2 (MANE Select); 3 bases into the intron before coding-DNA position 449, C replaced by T.
Molecular consequence: intron variant.
Genome position (GRCh38, 1-based): chr9:137,233,001, C>T. VCF-style: chr9-137233001-C-T. GRCh37 (hg19) VCF-style: chr9-140127453-C-T.
Other names: c.449-3C>T (NM_080877.2, NM_001177317.2, NM_080877.3).
Identifiers: ClinVar variation 198276 (VCV000198276.15), dbSNP rs757092241, ClinGen allele CA246834.

ClinVar aggregate classification (germline): Conflicting classifications of pathogenicity. Review status: criteria provided, conflicting classifications (1 of 4 stars). 3 submissions from 3 submitters: Uncertain significance (1); Likely benign (1). 1 of the submissions does not count toward it. Last evaluated 2025-11-24.

Conditions:
SLC34A3-related disorder. Also called: SLC34A3-related condition.

Allele frequency attached by ClinVar (database versions not stated): gnomAD 0.00002; TOPMed 0.00007; gnomAD exomes 0.00008 and 0.00014; ExAC 0.00010.

Submissions (3):

Labcorp Genetics (formerly Invitae), Labcorp
Classification: Likely benign. Last evaluated: 2025-11-24. Review status: criteria provided, single submitter. Criteria: Invitae Variant Classification Sherloc (09022015). Collection method: clinical testing. Allele origin: germline.

Eurofins Ntd Llc (ga)
Classification: Uncertain significance. Last evaluated: 2015-03-17. Review status: criteria provided, single submitter. Criteria: EGL Classification Definitions 2015. Collection method: clinical testing. Allele origin: germline. Observed: 1 variant allele, 1 heterozygote.

PreventionGenetics, part of Exact Sciences
Classification: Likely benign for SLC34A3-related condition. Last evaluated: 2019-03-08. Review status: no assertion criteria provided. Collection method: clinical testing. Allele origin: germline. Not counted in ClinVar's aggregate classification.
Comment: This variant is classified as likely benign based on ACMG/AMP sequence variant interpretation guidelines (Richards et al. 2015 PMID: 25741868, with internal and published modifications).